The following is an entry in ClinVar:

NM_182961.4(SYNE1):c.1730-152C>T

Gene: SYNE1 (spectrin repeat containing nuclear envelope protein 1; minus strand). Cytogenetic location: 6q25.2.
Variant type: single nucleotide variant.
Coding change: c.1730-152C>T on transcript NM_182961.4 (MANE Select); 152 bases into the intron before coding-DNA position 1730, C replaced by T.
Molecular consequence: intron variant.
Genome position (GRCh38, 1-based): chr6:152,465,612, G>A on the plus strand (C>T on the coding strand, the complement: SYNE1 is on the minus strand). VCF-style: chr6-152465612-G-A. GRCh37 (hg19) VCF-style: chr6-152786747-G-A.
Other names: c.1751-152C>T (NM_033071.5).
Identifiers: ClinVar variation 670603 (VCV000670603.1), dbSNP rs7762190, ClinGen allele CA16283913.

ClinVar aggregate classification (germline): Benign (1 of 4 stars; one submission).

Allele frequency attached by ClinVar (database versions not stated): gnomAD exomes 0.45168; gnomAD 0.51906 and 0.52132; TOPMed 0.53124; 1000 Genomes Project 0.60284; 1000 Genomes Project 30x 0.60306.
gnomAD v4.1: 346,758 of 743,488 alleles (47%); highest among the groups gnomAD compares: East Asian, 78%; 87,086 homozygotes.

Submission:

GeneDx
Classification: Benign. Last evaluated: 2018-06-14. Review status: criteria provided, single submitter. Criteria: GeneDx Variant Classification (06012015). Collection method: clinical testing. Allele origin: germline. Affected: yes.
Comment: This variant is considered likely benign or benign based on one or more of the following criteria: it is a conservative change, it occurs at a poorly conserved position in the protein, it is predicted to be benign by multiple in silico algorithms, and/or has population frequency not consistent with disease.